The following is an entry in ClinVar:

ClinVar aggregate classification (germline): Uncertain significance (1 of 4 stars; one submission).

gnomAD v4.1: 5 of 1,194,307 alleles (0.00042%); highest among the groups gnomAD compares: South Asian, 0.0054%; no homozygotes.

Submission:

Women's Health and Genetics/Laboratory Corporation of America, LabCorp
Classification: Uncertain significance. Last evaluated: 2026-05-26. Review status: criteria provided, single submitter. Criteria: LabCorp Variant Classification Summary - May 2015. Collection method: clinical testing. Allele origin: germline.
Comment: Variant summary: DMD c.7036C>T (p.Pro2346Ser) results in a non-conservative amino acid change in the encoded protein sequence. Algorithms developed to predict the effect of missense changes on protein structure and function are either unavailable or do not agree on the potential impact of this missense change. The variant allele was found at a frequency of 5.6e-06 in 177302 control chromosomes. The available data on variant occurrences in the general population are insufficient to allow any conclusion about variant significance. To our knowledge, no occurrence of c.7036C>T in individuals affected with DMD-related conditions and no experimental evidence demonstrating its impact on protein function have been reported. No submitters have cited clinical-significance assessments for this variant to ClinVar. Based on the evidence outlined above, the variant was classified as uncertain significance.

NM_004006.3(DMD):c.7036C>T (p.Pro2346Ser)

Gene: DMD (dystrophin; minus strand). Cytogenetic location: Xp21.1.
Variant type: single nucleotide variant.
Coding change: c.7036C>T on transcript NM_004006.3 (MANE Select); coding-DNA position 7036, C replaced by T.
Protein change: p.Pro2346Ser; replaces proline 2346 with serine.
Molecular consequence: missense variant. On other transcripts: 5 prime UTR variant (5).
Genome position (GRCh38, 1-based): chrX:31,875,250, G>A on the plus strand (C>T on the coding strand, the complement: DMD is on the minus strand). VCF-style: chrX-31875250-G-A. GRCh37 (hg19) VCF-style: chrX-31893367-G-A.
Other names: c.7012C>T, p.Pro2338Ser (NM_000109.4); c.7024C>T, p.Pro2342Ser (NM_004009.3); c.6667C>T, p.Pro2223Ser (NM_004010.3); c.3013C>T, p.Pro1005Ser (NM_004011.4); c.3004C>T, p.Pro1002Ser (NM_004012.4); c.-345C>T (NM_004013.3, NM_004020.4, NM_004021.3 and 2 more transcripts); short protein forms P1002S, P1005S, P2223S, P2338S, P2342S, P2346S.
Identifiers: ClinVar variation 4853681 (VCV004853681.1).